The following is an entry in ClinVar:

ClinVar aggregate classification (germline): Pathogenic (1 of 4 stars; one submission).

Submission:

Athena Diagnostics
Classification: Pathogenic. Last evaluated: 2018-10-04. Review status: criteria provided, single submitter. Criteria: Athena Diagnostics Criteria. Collection method: clinical testing. Allele origin: germline.
Comment: The variant results in a shift of the reading frame, and is therefore predicted to significantly disrupt the protein structure. Found in at least one symptomatic patient, and not found in general population data.

NM_001127222.2(CACNA1A):c.1781del (p.Lys594fs)

Gene: CACNA1A (calcium voltage-gated channel subunit alpha1 A; minus strand). Cytogenetic location: 19p13.13.
Variant type: Deletion.
Coding change: c.1781del on transcript NM_001127222.2 (MANE Select); coding-DNA position 1781, one base deleted (A; older notation c.1781delA).
Protein change: p.Lys594fs; shifts the reading frame from lysine 594.
Molecular consequence: frameshift variant.
Genome position (GRCh38, 1-based): chr19:13,308,416, T deleted on the plus strand (A on the coding strand, the reverse complement: CACNA1A is on the minus strand); the first of 3 consecutive T bases (chr19:13,308,416-13,308,418); deleting any one gives the same sequence. VCF-style (leftmost placement, unchanged base first): chr19-13308415-CT-C. GRCh37 (hg19) VCF-style: chr19-13419229-CT-C.
Other names: c.1784del, p.Lys595fs (NM_000068.4, NM_001127221.2, NM_001174080.2 and 1 more transcripts); short protein forms K595fs, K594fs.
Identifiers: ClinVar variation 804597 (VCV000804597.1), dbSNP rs1600293149, ClinGen allele CA915952498.
Genomic context (GRCh38, chr19:13,308,415, plus strand): 5'-GCCCCACCATGTCCCCCATCCCCACCCCCTGTACAAATGTCCAGGAACCCCAAAGACTTA[CT>C]TTGTGACTTTGAAAATACGCAATAACCTGAGGGCTCGTAACACGCTGATTCCAAAGGATG-3'